The following is an entry in ClinVar:

ClinVar aggregate classification (germline): Benign/Likely benign. Review status: criteria provided, multiple submitters, no conflicts (2 of 4 stars). 2 submissions from 2 submitters: Benign (1); Likely benign (1). Last evaluated 2025-03-04.

Submissions (2):

Center for Genomic Medicine, Rigshospitalet, Copenhagen University Hospital
Classification: Benign. Last evaluated: 2025-03-04. Review status: criteria provided, single submitter. Criteria: ACMG Guidelines, 2015. Collection method: clinical testing. Allele origin: germline.

GeneDx
Classification: Likely benign. Last evaluated: 2018-06-14. Review status: criteria provided, single submitter. Criteria: GeneDx Variant Classification (06012015). Collection method: clinical testing. Allele origin: germline. Affected: yes.
Comment: This variant is considered likely benign or benign based on one or more of the following criteria: it is a conservative change, it occurs at a poorly conserved position in the protein, it is predicted to be benign by multiple in silico algorithms, and/or has population frequency not consistent with disease.

NM_002528.7(NTHL1):c.354+30dup

Gene: NTHL1 (nth like DNA glycosylase 1; minus strand). Cytogenetic location: 16p13.3.
Variant type: Duplication.
Coding change: c.354+30dup on transcript NM_002528.7 (MANE Select); 30 bases into the intron after coding-DNA position 354, one base duplicated (C; older notation c.354+30dupC).
Molecular consequence: intron variant.
Genome position (GRCh38, 1-based): chr16:2,046,093, G duplicated on the plus strand (C on the coding strand, the reverse complement: NTHL1 is on the minus strand); the first of 6 consecutive G bases (chr16:2,046,093-2,046,098); duplicating any one gives the same sequence. VCF-style (leftmost placement, unchanged base first): chr16-2046092-T-TG. GRCh37 (hg19) VCF-style: chr16-2096093-T-TG.
Other names: c.24+182dup (NM_001318194.2); c.354+30dup (NM_001318193.2); c.354+35dupC (NM_002528.7).
Identifiers: ClinVar variation 679722 (VCV000679722.8), dbSNP rs3211971, ClinGen allele CA7828304.